The following is an entry in ClinVar:

ClinVar aggregate classification (germline): Conflicting classifications of pathogenicity. Review status: criteria provided, conflicting classifications (1 of 4 stars). 4 submissions from 4 submitters: Uncertain significance (3); Likely benign (1). Last evaluated 2025-12-18.

Conditions:
Cowden syndrome (CS). Also called: Cowden's disease; Cowden's syndrome; Cowden disease. Identifiers: Orphanet 201, MedGen C0018553, MONDO:0016063. Disease mechanism: gain of function.
PIK3CA-related disorder. Also called: PIK3CA-related disorders; PIK3CA-related condition; PIK3CA- related disease.

Allele frequency attached by ClinVar (database versions not stated): gnomAD exomes 0.00002 and 0.00006; ESP Exome Variant Server 0.00008; ExAC 0.00009; gnomAD 0.00030 and 0.00032; TOPMed 0.00060; 1000 Genomes Project 0.00080; 1000 Genomes Project 30x 0.00109.
gnomAD v4.1: 81 of 1,613,384 alleles (0.005%); highest among the groups gnomAD compares: Admixed American, 0.07%; 1 homozygote.

Submissions (4):

PreventionGenetics, part of Exact Sciences
Classification: Uncertain significance for PIK3CA-related condition. Last evaluated: 2025-12-18. Review status: criteria provided, single submitter. Criteria: ACMG Guidelines, 2015. Collection method: clinical testing. Allele origin: germline.
Comment: The PIK3CA c.140A>G variant is predicted to result in the amino acid substitution p.His47Arg. This variant was reported in two individuals with breast cancer; however, no additional information was provided to support causation (Table 2, Dutil et al 2019. PubMed ID: 31780696). This variant is reported in 0.045% of alleles in individuals of African descent in gnomAD, and is classified as a variant of uncertain significance in ClinVar (Variation ID: 403906). At this time, the clinical significance is uncertain due to the absence of conclusive functional and genetic evidence.

Labcorp Genetics (formerly Invitae), Labcorp
Classification: Likely benign for Cowden syndrome. Last evaluated: 2025-11-03. Review status: criteria provided, single submitter. Criteria: Invitae Variant Classification Sherloc (09022015). Collection method: clinical testing. Allele origin: germline.

Blueprint Genetics
Classification: Uncertain significance. Last evaluated: 2021-12-17. Review status: criteria provided, single submitter. Criteria: ACMG Guidelines, 2015. Collection method: clinical testing. Allele origin: germline.

AiLife Diagnostics
Classification: Uncertain significance. Last evaluated: 2021-07-31. Review status: criteria provided, single submitter. Criteria: ACMG Guidelines, 2015. Collection method: clinical testing. Allele origin: germline. Affected: yes. Observed: 1 variant allele.

Literature cited by the submitters: PubMed 31780696 (cited by AiLife Diagnostics).

NM_006218.4(PIK3CA):c.140A>G (p.His47Arg)

Gene: PIK3CA (phosphatidylinositol-4,5-bisphosphate 3-kinase catalytic subunit alpha; plus strand). Cytogenetic location: 3q26.32.
Variant type: single nucleotide variant.
Coding change: c.140A>G on transcript NM_006218.4 (MANE Select); coding-DNA position 140, A replaced by G.
Protein change: p.His47Arg; replaces histidine 47 with arginine.
Molecular consequence: missense variant.
Genome position (GRCh38, 1-based): chr3:179,198,965, A>G. VCF-style: chr3-179198965-A-G. GRCh37 (hg19) VCF-style: chr3-178916753-A-G.
Other names: c.140A>G (LRG_310t1, NM_006218.3); short protein forms H47R.
Identifiers: ClinVar variation 403906 (VCV000403906.13), dbSNP rs190372148, ClinGen allele CA2710500.